The following is an entry in ClinVar:

NM_175914.5(HNF4A):c.1064-1G>T

Gene: HNF4A (hepatocyte nuclear factor 4 alpha; plus strand). Cytogenetic location: 20q13.12.
Variant type: single nucleotide variant.
Coding change: c.1064-1G>T on transcript NM_175914.5 (MANE Select); the canonical splice acceptor site of the intron before coding-DNA position 1064, G replaced by T.
Molecular consequence: splice acceptor variant.
Genome position (GRCh38, 1-based): chr20:44,428,334, G>T. VCF-style: chr20-44428334-G-T. GRCh37 (hg19) VCF-style: chr20-43056974-G-T.
Other names: c.1055-1G>T (NM_001287182.2, NM_001287183.2); c.1064-1G>T (NM_001030003.3); c.1109-1G>T (NM_001258355.2); c.1130-1G>T (NM_178849.3, NM_000457.6).
Identifiers: ClinVar variation 1700662 (VCV001700662.2), dbSNP rs2515728402, ClinGen allele CA409109952.

ClinVar aggregate classification (germline): Pathogenic (1 of 4 stars; one submission).

Conditions:
Maturity-onset diabetes of the young type 1. Also called: MILD JUVENILE DIABETES MELLITUS; MODY, type I; MODY type 1; Diabetes mellitus MODY type 1; MODY HNF4A related; HNF4A-Related Maturity-Onset Diabetes of the Young Type 1. Identifiers: Orphanet 552, MedGen C1852093, MONDO:0007452, OMIM 125850. Disease mechanism: loss of function.

Allele frequency attached by ClinVar (database versions not stated): gnomAD exomes below 0.00001.
gnomAD v4.1: 1 of 1,613,966 alleles (0.000062%); highest among the groups gnomAD compares: Non-Finnish European, 0.000085%; no homozygotes.

Submission:

Geisinger Clinic, Geisinger Health System
Classification: Pathogenic for Maturity-onset diabetes of the young type 1. Last evaluated: 2022-08-02. Review status: criteria provided, single submitter. Criteria: ACMG Guidelines, 2015. Collection method: research. Allele origin: germline. Inheritance: Autosomal dominant inheritance. Affected: yes. Observed: 1 variant allele.
Comment: PVS1, PM2

Literature cited by the submitters: PubMed 36257325.